The following is an entry in ClinVar:

ClinVar aggregate classification (germline): Conflicting classifications of pathogenicity. Review status: criteria provided, conflicting classifications (1 of 4 stars). 2 submissions from 2 submitters: Pathogenic (1); Uncertain significance (1). Last evaluated 2025-11-27.

Conditions:
RNU2-2 related neurodevelopmental disorder, autosomal recessive.
RNU2-2 related disorder.

gnomAD v4.1: 1 of 152,238 alleles (0.00066%); highest among the groups gnomAD compares: African/African-American, 0.0024%; no homozygotes.

Submissions (2):

Institute for Human Genetics, University Hospital Essen
Classification: Pathogenic for RNU2-2 related disorder. Last evaluated: 2025-11-27. Review status: criteria provided, single submitter. Criteria: Submitter's publication. Collection method: clinical testing. Allele origin: germline. Inheritance: Autosomal recessive inheritance. Affected: yes. Observed: 2 variant alleles, 2 compound heterozygotes.
Comment: PS2_supp, PS4, PM1, PM2_supp, PM3, PP1 (criteria rationale detailed in Leitão et al. Nature Genetics 2026)

Undiagnosed Diseases Network, NIH
Classification: Uncertain significance for RNU2-2 related neurodevelopmental disorder, autosomal recessive. Last evaluated: 2025-09-24. Review status: criteria provided, single submitter. Criteria: ACMG Guidelines, 2015. Collection method: clinical testing. Allele origin: maternal. Affected: yes. Observed: 1 variant allele, 1 compound heterozygote. Study: Undiagnosed Diseases Network (NIH), UDN.
Comment: This variant has been identified in 0.00065% (1/152238) of chromosomes by the Genome Aggregation Database (gnomAD; dbSNP rs1283880220). Although this variant has been seen in the general population in a heterozygous state, its frequency is low enough to be consistent with a recessive carrier frequency. This variant has not been previously reported in ClinVar. The n.31G>A substitution lies within U2’s short branch-point–recognition sequence (BPRS; ~nts 31–45), the tract that base-pairs with the intronic branch-point sequence (BPS) and is clamped by SF3B during A-complex assembly (PMID:31744343). Single nucleotide changes within this tract are expected to likely destabilise the interaction between U2 and pre-mRNA intronic branch point sites thereby diminishing splicing fidelity (PMID:31744343).

NR_199791.1(RNU2-2):n.31G>A

Genes: RNU2-2 (RNA, U2 small nuclear 2; minus strand), WDR74 (WD repeat domain 74; minus strand). Cytogenetic location: 11q12.3.
Variant type: single nucleotide variant.
Molecular consequence: non-coding transcript variant (on NR_199791.1). On other transcripts: 5 prime UTR variant (1).
Genome position: GRCh38 VCF-style: chr11-62841779-C-T. GRCh37 (hg19) VCF-style: chr11-62609251-C-T.
Other names: c.-508G>A (NM_001369451.1).
Identifiers: ClinVar variation 4532800 (VCV004532800.2).
Genomic context (GRCh38, chr11:62,841,779, plus strand): 5'-ATATATTGTCCTCGGATAGAGGACGTATCAGATATTAAACTGATAAGAACAGATACTACA[C>T]TTGATCTTAGCCAAAAGGCCGAGAAGCGATACCTTTACTTCGGTCGCCTCGGCGGCCTTA-3'